The following is an entry in ClinVar:

NM_003482.4(KMT2D):c.10015C>T (p.Leu3339Phe)

Gene: KMT2D (lysine methyltransferase 2D; minus strand). Cytogenetic location: 12q13.12.
Variant type: single nucleotide variant.
Coding change: c.10015C>T on transcript NM_003482.4 (MANE Select); coding-DNA position 10015, C replaced by T.
Protein change: p.Leu3339Phe; replaces leucine 3339 with phenylalanine.
Molecular consequence: missense variant.
Genome position (GRCh38, 1-based): chr12:49,037,341, G>A on the plus strand (C>T on the coding strand, the complement: KMT2D is on the minus strand). VCF-style: chr12-49037341-G-A. GRCh37 (hg19) VCF-style: chr12-49431124-G-A.
Other names: short protein forms L3339F.
Identifiers: ClinVar variation 1948833 (VCV001948833.5), dbSNP rs1044911165, ClinGen allele CA236643561.

ClinVar aggregate classification (germline): Uncertain significance (1 of 4 stars; one submission).

Conditions:
Kabuki syndrome. Also called: Kabuki make-up syndrome; NIIKAWA-KUROKI SYNDROME. Identifiers: Orphanet 2322, MedGen C0796004, MONDO:0016512.

Submission:

Labcorp Genetics (formerly Invitae), Labcorp
Classification: Uncertain significance for Kabuki syndrome. Last evaluated: 2022-03-18. Review status: criteria provided, single submitter. Criteria: Invitae Variant Classification Sherloc (09022015). Collection method: clinical testing. Allele origin: germline.
Comment: This sequence change replaces leucine, which is neutral and non-polar, with phenylalanine, which is neutral and non-polar, at codon 3339 of the KMT2D protein (p.Leu3339Phe). This variant is not present in population databases (gnomAD no frequency). This variant has not been reported in the literature in individuals affected with KMT2D-related conditions. Advanced modeling of protein sequence and biophysical properties (such as structural, functional, and spatial information, amino acid conservation, physicochemical variation, residue mobility, and thermodynamic stability) performed at Invitae indicates that this missense variant is not expected to disrupt KMT2D protein function. In summary, the available evidence is currently insufficient to determine the role of this variant in disease. Therefore, it has been classified as a Variant of Uncertain Significance.